The following is an entry in ClinVar:

ClinVar aggregate classification (germline): Likely benign. Review status: criteria provided, multiple submitters, no conflicts (2 of 4 stars). 3 submissions from 3 submitters: Likely benign (2). 1 of the submissions does not count toward it. Last evaluated 2024-11-27.

Conditions:
RELT-related disorder. Also called: RELT-related condition.

Allele frequency attached by ClinVar (database versions not stated): 1000 Genomes Project 30x 0.00047; 1000 Genomes Project 0.00060; TOPMed 0.00158; gnomAD 0.00178; ExAC 0.00186; gnomAD exomes 0.00193; ESP Exome Variant Server 0.00208.
gnomAD v4.1: 3,061 of 1,613,638 alleles (0.19%); highest among the groups gnomAD compares: Middle Eastern, 0.41%; 5 homozygotes.

Submissions (3):

Blueprint Genetics
Classification: Likely benign. Last evaluated: 2024-11-27. Review status: criteria provided, single submitter. Criteria: ACMG Guidelines, 2015. Collection method: clinical testing. Allele origin: germline.

CeGaT Center for Human Genetics Tuebingen
Classification: Likely benign. Last evaluated: 2022-06-01. Review status: criteria provided, single submitter. Criteria: CeGaT Center For Human Genetics Tuebingen Variant Classification Criteria Version 2. Collection method: clinical testing. Allele origin: germline. Affected: yes. Observed: 1 variant allele.
Comment: RELT: BP4, BP7

PreventionGenetics, part of Exact Sciences
Classification: Likely benign for RELT-related condition. Last evaluated: 2019-11-08. Review status: no assertion criteria provided. Collection method: clinical testing. Allele origin: germline. Not counted in ClinVar's aggregate classification.
Comment: This variant is classified as likely benign based on ACMG/AMP sequence variant interpretation guidelines (Richards et al. 2015 PMID: 25741868, with internal and published modifications).

NM_152222.2(RELT):c.480C>T (p.Ala160=)

Gene: RELT (RELT TNF receptor; plus strand). Cytogenetic location: 11q13.4.
Variant type: single nucleotide variant.
Coding change: c.480C>T on transcript NM_152222.2 (MANE Select); coding-DNA position 480, C replaced by T.
Protein change: p.Ala160=; no amino-acid change (alanine 160 retained).
Molecular consequence: synonymous variant.
Genome position (GRCh38, 1-based): chr11:73,392,323, C>T. VCF-style: chr11-73392323-C-T. GRCh37 (hg19) VCF-style: chr11-73103368-C-T.
Other names: c.480C>T, p.Ala160= (NM_032871.4); c.480C>T (NM_152222.1).
Identifiers: ClinVar variation 2642142 (VCV002642142.26), dbSNP rs35329118, ClinGen allele CA6178598.